The following is an entry in ClinVar:

NM_003190.5(TAPBP):c.279G>A (p.Met93Ile)

Gene: TAPBP (TAP binding protein; minus strand). Cytogenetic location: 6p21.32.
Variant type: single nucleotide variant.
Coding change: c.279G>A on transcript NM_003190.5 (MANE Select); coding-DNA position 279, G replaced by A.
Protein change: p.Met93Ile; replaces methionine 93 with isoleucine.
Molecular consequence: missense variant. On other transcripts: intron variant (1).
Genome position (GRCh38, 1-based): chr6:33,313,407, C>T on the plus strand (G>A on the coding strand, the complement: TAPBP is on the minus strand). VCF-style: chr6-33313407-C-T. GRCh37 (hg19) VCF-style: chr6-33281184-C-T.
Other names: c.279G>A, p.Met93Ile (NM_001410875.1, NM_172208.3); c.208+287G>A (NM_172209.3); short protein forms M93I.
Identifiers: ClinVar variation 2068916 (VCV002068916.4), dbSNP rs1479417005, ClinGen allele CA363621227.

ClinVar aggregate classification (germline): Uncertain significance (1 of 4 stars; one submission).

Conditions:
MHC class I deficiency. Identifiers: Orphanet 34592, MedGen C6024714, MONDO:0011476.

Allele frequency attached by ClinVar (database versions not stated): gnomAD exomes below 0.00001.

Submission:

Labcorp Genetics (formerly Invitae), Labcorp
Classification: Uncertain significance for MHC class I deficiency 1. Last evaluated: 2022-04-07. Review status: criteria provided, single submitter. Criteria: Invitae Variant Classification Sherloc (09022015). Collection method: clinical testing. Allele origin: germline.
Comment: In summary, the available evidence is currently insufficient to determine the role of this variant in disease. Therefore, it has been classified as a Variant of Uncertain Significance. Algorithms developed to predict the effect of missense changes on protein structure and function output the following: SIFT: "Tolerated"; PolyPhen-2: "Benign"; Align-GVGD: "Class C0". The isoleucine amino acid residue is found in multiple mammalian species, which suggests that this missense change does not adversely affect protein function. This variant has not been reported in the literature in individuals affected with TAPBP-related conditions. This variant is present in population databases (no rsID available, gnomAD 0.007%). This sequence change replaces methionine, which is neutral and non-polar, with isoleucine, which is neutral and non-polar, at codon 93 of the TAPBP protein (p.Met93Ile).